The following is an entry in ClinVar:

NM_144499.3(GNAT1):c.131C>G (p.Thr44Ser)

Gene: GNAT1 (G protein subunit alpha transducin 1; plus strand). Cytogenetic location: 3p21.31.
Variant type: single nucleotide variant.
Coding change: c.131C>G on transcript NM_144499.3 (MANE Select); coding-DNA position 131, C replaced by G.
Protein change: p.Thr44Ser; replaces threonine 44 with serine.
Molecular consequence: missense variant.
Genome position (GRCh38, 1-based): chr3:50,193,157, C>G. VCF-style: chr3-50193157-C-G. GRCh37 (hg19) VCF-style: chr3-50230590-C-G.
Other names: c.131C>G, p.Thr44Ser (NM_000172.4); short protein forms T44S.
Identifiers: ClinVar variation 1722179 (VCV001722179.5), dbSNP rs2546143918, ClinGen allele CA352912062.

ClinVar aggregate classification (germline): Uncertain significance (1 of 4 stars; one submission).

Submission:

Labcorp Genetics (formerly Invitae), Labcorp
Classification: Uncertain significance. Last evaluated: 2022-10-26. Review status: criteria provided, single submitter. Criteria: Invitae Variant Classification Sherloc (09022015). Collection method: clinical testing. Allele origin: germline.
Comment: In summary, the available evidence is currently insufficient to determine the role of this variant in disease. Therefore, it has been classified as a Variant of Uncertain Significance. Algorithms developed to predict the effect of missense changes on protein structure and function (SIFT, PolyPhen-2, Align-GVGD) all suggest that this variant is likely to be disruptive. This variant has not been reported in the literature in individuals affected with GNAT1-related conditions. This variant is not present in population databases (gnomAD no frequency). This sequence change replaces threonine, which is neutral and polar, with serine, which is neutral and polar, at codon 44 of the GNAT1 protein (p.Thr44Ser).